The following is an entry in ClinVar:

NM_004444.5(EPHB4):c.2418C>G (p.Tyr806Ter)

Genes: EPHB4 (EPH receptor B4; minus strand), LOC126860124 (CDK7 strongly-dependent group 2 enhancer GRCh37_chr7:100403701-100404900; plus strand). Cytogenetic location: 7q22.1.
Variant type: single nucleotide variant.
Coding change: c.2418C>G on transcript NM_004444.5 (MANE Select); coding-DNA position 2418, C replaced by G.
Protein change: p.Tyr806Ter; replaces tyrosine 806 with a stop codon.
Molecular consequence: nonsense.
Genome position (GRCh38, 1-based): chr7:100,806,486, G>C on the plus strand (C>G on the coding strand, the complement: EPHB4 is on the minus strand). VCF-style: chr7-100806486-G-C. GRCh37 (hg19) VCF-style: chr7-100404108-G-C.
Other names: short protein forms Y806*.
Identifiers: ClinVar variation 620197 (VCV000620197.2), dbSNP rs377702127, ClinGen allele CA368567641.

ClinVar aggregate classification (germline): Pathogenic/Likely pathogenic. Review status: criteria provided, multiple submitters, no conflicts (2 of 4 stars). 2 submissions from 2 submitters: Pathogenic (1); Likely pathogenic (1). Last evaluated 2019-03-29.

Conditions:
Capillary malformation-arteriovenous malformation 2 (CMAVM2). Identifiers: Orphanet 693912, MedGen C4748670, MONDO:0020785, OMIM 618196.

Submissions (2):

SIB Swiss Institute of Bioinformatics
Classification: Likely pathogenic for Capillary malformation-arteriovenous malformation 2. Last evaluated: 2019-03-29. Review status: criteria provided, single submitter. Criteria: ACMG Guidelines, 2015. Collection method: curation. Allele origin: unknown.
Comment: This variant is interpreted as a Likely pathogenic for Capillary malformation-arteriovenous malformation 2. The following ACMG Tag(s) were applied: PM2: Absent from controls (or at extremely low frequency if recessive) in Exome Sequencing Project, 1000 Genomes Project, or Exome Aggregation Consortium. PVS1: Predicted nullvariant in a gene where LOF is a known mechanism of disease.

GeneDx
Classification: Pathogenic. Last evaluated: 2018-10-02. Review status: criteria provided, single submitter. Criteria: GeneDx Variant Classification (06012015). Collection method: clinical testing. Allele origin: germline. Affected: yes.
Comment: The Y806X variant in the EPHB4 gene has been reported previously in three related individuals with capillary malformations, but no additional phenotypic information was available (Amyere et al., 2017). This variant is predicted to cause loss of normal protein function either through protein truncation or nonsense-mediated mRNA decay. The Y806X variant is not observed in large population cohorts (Lek et al., 2016). We interpret Y806X as a pathogenic variant.

Literature cited by the submitters: PubMed 28687708 (cited by SIB Swiss Institute of Bioinformatics).